The following is an entry in ClinVar:

ClinVar aggregate classification (germline): Likely pathogenic. Review status: criteria provided, multiple submitters, no conflicts (2 of 4 stars). 2 submissions from 2 submitters: Likely pathogenic (2). Last evaluated 2020-08-01.

Conditions:
Usher syndrome type 1 (USH1). Also called: RETINITIS PIGMENTOSA AND CONGENITAL DEAFNESS. Identifiers: Orphanet 231169, Orphanet 886, MedGen C1568247, MONDO:0010168, OMIM 276900.
Usher syndrome. Also called: Usher Syndromes; Usher's syndrome. Identifiers: Orphanet 886, MedGen CN469326, MeSH D052245, MONDO:0019501. Disease mechanism: loss of function.

Submissions (2):

King Laboratory, University of Washington
Classification: Likely pathogenic for Usher syndrome type 1. Last evaluated: 2020-08-01. Review status: criteria provided, single submitter. Criteria: Abu Rayyan A et al. (Proc Natl Acad Sci U S A 2020). Collection method: research. Allele origin: germline. Affected: yes.
Comment: MYO7A c.1583T>G, p.L528R alters a highly conserved residue of MYO7A. The variant is compound heterozygous with MYO7A c.2630insG p.W2077fs in three Palestinian children with moderate to severe hearing loss and Usher syndrome type I (Abu Rayyan 2020). The variant is absent from 1300 Palestinian controls and absent from gnomAD v2.1.1.

Laboratory for Molecular Medicine, Mass General Brigham Personalized Medicine
Classification: Likely pathogenic for Usher syndrome. Last evaluated: 2019-05-09. Review status: criteria provided, single submitter. Criteria: LMM Criteria. Collection method: clinical testing. Allele origin: germline. Inheritance: Autosomal recessive inheritance. Observed: 4 variant alleles.
Comment: This variant was absent from large population studies. Computational prediction tools and conservation analysis suggest that this variant may impact the protein. In summary, although additional studies are required to fully establish its clinical significance, this variant meets criteria to be classified as likely pathogenic for autosomal recessive Usher syndrome. ACMG/AMP criteria applied: PM2, PP1, PP3, PP4, PM3_Supporting.

NM_000260.4(MYO7A):c.1583T>G (p.Leu528Arg)

Gene: MYO7A (myosin VIIA; plus strand). Cytogenetic location: 11q13.5.
Variant type: single nucleotide variant.
Coding change: c.1583T>G on transcript NM_000260.4 (MANE Select); coding-DNA position 1583, T replaced by G.
Protein change: p.Leu528Arg; replaces leucine 528 with arginine.
Molecular consequence: missense variant.
Genome position (GRCh38, 1-based): chr11:77,162,881, T>G. VCF-style: chr11-77162881-T-G. GRCh37 (hg19) VCF-style: chr11-76873927-T-G.
Other names: c.1583T>G, p.Leu528Arg (NM_001127180.2); c.1550T>G, p.Leu517Arg (NM_001369365.1); short protein forms L528R, L517R.
Identifiers: ClinVar variation 164672 (VCV000164672.7), dbSNP rs797044492, ClinGen allele CA177372.